The following is an entry in ClinVar:

ClinVar aggregate classification (germline): Uncertain significance. Review status: criteria provided, multiple submitters, no conflicts (2 of 4 stars). 2 submissions from 2 submitters: Uncertain significance (2). Last evaluated 2025-12-15.

Submissions (2):

Ambry Genetics
Classification: Uncertain significance. Last evaluated: 2025-12-15. Review status: criteria provided, single submitter. Criteria: Ambry Variant Classification Scheme 2023. Collection method: clinical testing. Allele origin: germline.

Labcorp Genetics (formerly Invitae), Labcorp
Classification: Uncertain significance. Last evaluated: 2024-12-23. Review status: criteria provided, single submitter. Criteria: Invitae Variant Classification Sherloc (09022015). Collection method: clinical testing. Allele origin: germline.
Comment: This sequence change replaces arginine, which is basic and polar, with glutamine, which is neutral and polar, at codon 449 of the KLF10 protein (p.Arg449Gln). This variant is present in population databases (rs779398693, gnomAD 0.003%). This variant has not been reported in the literature in individuals affected with KLF10-related conditions. An algorithm developed to predict the effect of missense changes on protein structure and function (PolyPhen-2) suggests that this variant is likely to be disruptive. In summary, the available evidence is currently insufficient to determine the role of this variant in disease. Therefore, it has been classified as a Variant of Uncertain Significance.

NM_005655.4(KLF10):c.1346G>A (p.Arg449Gln)

Gene: KLF10 (KLF transcription factor 10; minus strand). Cytogenetic location: 8q22.3.
Variant type: single nucleotide variant.
Coding change: c.1346G>A on transcript NM_005655.4 (MANE Select); coding-DNA position 1346, G replaced by A.
Protein change: p.Arg449Gln; replaces arginine 449 with glutamine.
Molecular consequence: missense variant. On other transcripts: non-coding transcript variant (2).
Genome position (GRCh38, 1-based): chr8:102,650,229, C>T on the plus strand (G>A on the coding strand, the complement: KLF10 is on the minus strand). VCF-style: chr8-102650229-C-T. GRCh37 (hg19) VCF-style: chr8-103662457-C-T.
Other names: c.1313G>A, p.Arg438Gln (NM_001032282.4); c.1346G>A (NM_005655.2); short protein forms R449Q, R438Q.
Identifiers: ClinVar variation 3707985 (VCV003707985.3).
Genomic context (GRCh38, chr8:102,650,229, plus strand): 5'-TCATTTAGCTTGCTCACTTCCATCTGCCAGTTTGGTAGCTTCTTGGCTGATAGATGGCGC[C>T]GGGCATGCTTGGTCAAATGGTCACTCCTCATGAACCGCCGGTCACACATGGGGCACGCAA-3'
Protein context (NP_005646.1, residues 439-459): MRSDHLTKHA[Arg449Gln]RHLSAKKLPN